The following is an entry in ClinVar:

NM_000051.4(ATM):c.1225C>A (p.Leu409Ile)

Gene: ATM (ATM serine/threonine kinase; plus strand). Cytogenetic location: 11q22.3.
Variant type: single nucleotide variant.
Coding change: c.1225C>A on transcript NM_000051.4 (MANE Select); coding-DNA position 1225, C replaced by A.
Protein change: p.Leu409Ile; replaces leucine 409 with isoleucine.
Molecular consequence: missense variant.
Genome position (GRCh38, 1-based): chr11:108,249,092, C>A. VCF-style: chr11-108249092-C-A. GRCh37 (hg19) VCF-style: chr11-108119819-C-A.
Other names: c.1225C>A, p.Leu409Ile (NM_001351834.2); short protein forms L409I.
Identifiers: ClinVar variation 629860 (VCV000629860.13), dbSNP rs786203815, ClinGen allele CA228389914.

ClinVar aggregate classification (germline): Uncertain significance. Review status: criteria provided, multiple submitters, no conflicts (2 of 4 stars). 3 submissions from 3 submitters: Uncertain significance (3). Last evaluated 2024-08-30.

Conditions:
Ataxia-telangiectasia syndrome (AT). Also called: Cerebello-oculocutaneous telangiectasia; Immunodeficiency with ataxia telangiectasia; Ataxia-telangiectasia, complementation group D; AT, COMPLEMENTATION GROUP C; ATAXIA-TELANGIECTASIA, COMPLEMENTATION GROUP A; ATAXIA-TELANGIECTASIA, FRESNO VARIANT. Identifiers: Orphanet 100, MedGen C0004135, MONDO:0008840, OMIM 208900.
ATM-related cancer predisposition. Also called: ATM-related cancer susceptibility. Identifiers: MedGen CN377759, MONDO:0700270.
Hereditary cancer-predisposing syndrome. Also called: Neoplastic Syndromes, Hereditary; Tumor predisposition; Hereditary neoplastic syndrome; Hereditary Cancer Syndrome. Identifiers: Orphanet 140162, MedGen C0027672, MeSH D009386, MONDO:0015356.

Allele frequency attached by ClinVar (database versions not stated): TOPMed 0.00001.

Submissions (3):

Ambry Genetics
Classification: Uncertain significance for Hereditary cancer-predisposing syndrome. Last evaluated: 2024-08-30. Review status: criteria provided, single submitter. Criteria: Ambry Variant Classification Scheme 2023. Collection method: clinical testing. Allele origin: germline.
Comment: The p.L409I variant (also known as c.1225C>A), located in coding exon 8 of the ATM gene, results from a C to A substitution at nucleotide position 1225. The leucine at codon 409 is replaced by isoleucine, an amino acid with highly similar properties. This amino acid position is conserved. In addition, this alteration is predicted to be tolerated by in silico analysis. Based on the available evidence, the clinical significance of this variant remains unclear.

Color Diagnostics, LLC DBA Color Health
Classification: Uncertain significance for Hereditary cancer-predisposing syndrome. Last evaluated: 2024-03-06. Review status: criteria provided, single submitter. Criteria: ACMG Guidelines, 2015. Collection method: clinical testing. Allele origin: germline.
Comment: This missense variant replaces leucine with isoleucine at codon 409 of the ATM protein. Computational prediction suggests that this variant may not impact protein structure and function (internally defined REVEL score threshold <= 0.5, PMID: 27666373). To our knowledge, functional studies have not been reported for this variant. This variant has not been reported in individuals affected with hereditary cancer in the literature. This variant has not been identified in the general population by the Genome Aggregation Database (gnomAD). The available evidence is insufficient to determine the role of this variant in disease conclusively. Therefore, this variant is classified as a Variant of Uncertain Significance.

Labcorp Genetics (formerly Invitae), Labcorp
Classification: Uncertain significance for Ataxia-telangiectasia syndrome. Last evaluated: 2021-10-12. Review status: criteria provided, single submitter. Criteria: Invitae Variant Classification Sherloc (09022015). Collection method: clinical testing. Allele origin: germline.
Comment: In summary, the available evidence is currently insufficient to determine the role of this variant in disease. Therefore, it has been classified as a Variant of Uncertain Significance. Advanced modeling of protein sequence and biophysical properties (such as structural, functional, and spatial information, amino acid conservation, physicochemical variation, residue mobility, and thermodynamic stability) performed at Invitae indicates that this missense variant is not expected to disrupt ATM protein function. This sequence change replaces leucine with isoleucine at codon 409 of the ATM protein (p.Leu409Ile). The leucine residue is weakly conserved and there is a small physicochemical difference between leucine and isoleucine. This variant is not present in population databases (ExAC no frequency). This variant has not been reported in the literature in individuals affected with ATM-related conditions. ClinVar contains an entry for this variant (Variation ID: 629860).